The following is an entry in ClinVar:

ClinVar aggregate classification (germline): Uncertain significance (1 of 4 stars; one submission).

gnomAD v4.1: 3 of 1,613,930 alleles (0.00019%); highest among the groups gnomAD compares: Non-Finnish European, 0.00025%; no homozygotes.

Submission:

Labcorp Genetics (formerly Invitae), Labcorp
Classification: Uncertain significance. Last evaluated: 2025-11-03. Review status: criteria provided, single submitter. Criteria: Invitae Variant Classification Sherloc (09022015). Collection method: clinical testing. Allele origin: germline.
Comment: This sequence change replaces leucine, which is neutral and non-polar, with phenylalanine, which is neutral and non-polar, at codon 1769 of the DCHS1 protein (p.Leu1769Phe). This variant is present in population databases (no rsID available, gnomAD 0.0009%). This variant has not been reported in the literature in individuals affected with DCHS1-related conditions. ClinVar contains an entry for this variant (Variation ID: 3605605). Invitae Evidence Modeling of protein sequence and biophysical properties (such as structural, functional, and spatial information, amino acid conservation, physicochemical variation, residue mobility, and thermodynamic stability) indicates that this missense variant is expected to disrupt DCHS1 protein function with a positive predictive value of 80%. In summary, the available evidence is currently insufficient to determine the role of this variant in disease. Therefore, it has been classified as a Variant of Uncertain Significance.

NM_003737.4(DCHS1):c.5305C>T (p.Leu1769Phe)

Gene: DCHS1 (dachsous cadherin-related 1; minus strand). Cytogenetic location: 11p15.4.
Variant type: single nucleotide variant.
Coding change: c.5305C>T on transcript NM_003737.4 (MANE Select); coding-DNA position 5305, C replaced by T.
Protein change: p.Leu1769Phe; replaces leucine 1769 with phenylalanine.
Molecular consequence: missense variant.
Genome position (GRCh38, 1-based): chr11:6,628,687, G>A on the plus strand (C>T on the coding strand, the complement: DCHS1 is on the minus strand). VCF-style: chr11-6628687-G-A. GRCh37 (hg19) VCF-style: chr11-6649918-G-A.
Other names: short protein forms L1769F.
Identifiers: ClinVar variation 3605605 (VCV003605605.2).